The following is an entry in ClinVar:

NM_024494.3(WNT2B):c.163C>A (p.Arg55Ser)

Genes: WNT2B (Wnt family member 2B; plus strand), LOC122094899 (Sharpr-MPRA regulatory region 8072; plus strand). Cytogenetic location: 1p13.2.
Variant type: single nucleotide variant.
Coding change: c.163C>A on transcript NM_024494.3 (MANE Select); coding-DNA position 163, C replaced by A.
Protein change: p.Arg55Ser; replaces arginine 55 with serine.
Molecular consequence: missense variant. On other transcripts: intron variant (2).
Genome position (GRCh38, 1-based): chr1:112,509,425, C>A. VCF-style: chr1-112509425-C-A. GRCh37 (hg19) VCF-style: chr1-113052047-C-A.
Other names: c.126-5449C>A (NM_004185.4); c.-94-5449C>A (NM_001291880.1); short protein forms R55S.
Identifiers: ClinVar variation 3690657 (VCV003690657.2).
Genomic context (GRCh38, chr1:112,509,425, plus strand): 5'-GCTTCGGCCCGCCTAGGTCTTGCCTGCCTTCTGCTCCTGCTGCTGCTGACGCTGCCGGCC[C>A]GCGTAGACACGTCCTGGTGGTAAGTGTGGCTCTCAGGCTGGGCGGGTGAGGCGCTTGGTA-3'
Protein context (NP_078613.1, residues 45-65): LLLLLLTLPA[Arg55Ser]VDTSWWYIGA

ClinVar aggregate classification (germline): Uncertain significance (1 of 4 stars; one submission).

gnomAD v4.1: 1 of 1,591,738 alleles (0.000063%); highest among the groups gnomAD compares: South Asian, 0.0011%; no homozygotes.

Submission:

Labcorp Genetics (formerly Invitae), Labcorp
Classification: Uncertain significance. Last evaluated: 2024-05-21. Review status: criteria provided, single submitter. Criteria: Invitae Variant Classification Sherloc (09022015). Collection method: clinical testing. Allele origin: germline.
Comment: This sequence change replaces arginine, which is basic and polar, with serine, which is neutral and polar, at codon 55 of the WNT2B protein (p.Arg55Ser). The frequency data for this variant in the population databases is considered unreliable, as metrics indicate poor data quality at this position in the gnomAD database. This variant has not been reported in the literature in individuals affected with WNT2B-related conditions. An algorithm developed to predict the effect of missense changes on protein structure and function (PolyPhen-2) suggests that this variant is likely to be tolerated. In summary, the available evidence is currently insufficient to determine the role of this variant in disease. Therefore, it has been classified as a Variant of Uncertain Significance.